The following is an entry in ClinVar:

ClinVar aggregate classification (germline): Likely benign (1 of 4 stars; one submission).

Submission:

CeGaT Center for Human Genetics Tuebingen
Classification: Likely benign. Last evaluated: 2025-11-01. Review status: criteria provided, single submitter. Criteria: CeGaT Center For Human Genetics Tuebingen Variant Classification Criteria Version 2. Collection method: clinical testing. Allele origin: germline. Affected: yes. Observed: 1 variant allele.
Comment: EMC1: PM2:Supporting, BP4, BP7

NM_015047.3(EMC1):c.21T>C (p.Ser7=)

Gene: EMC1 (ER membrane protein complex subunit 1; minus strand). Cytogenetic location: 1p36.13.
Variant type: single nucleotide variant.
Coding change: c.21T>C on transcript NM_015047.3 (MANE Select); coding-DNA position 21, T replaced by C.
Protein change: p.Ser7=; no amino-acid change (serine 7 retained).
Molecular consequence: synonymous variant.
Genome position (GRCh38, 1-based): chr1:19,251,489, A>G on the plus strand (T>C on the coding strand, the complement: EMC1 is on the minus strand). VCF-style: chr1-19251489-A-G. GRCh37 (hg19) VCF-style: chr1-19577983-A-G.
Other names: c.21T>C, p.Ser7= (NM_001271427.2, NM_001271428.2, NM_001271429.2 and 2 more transcripts).
Identifiers: ClinVar variation 4535287 (VCV004535287.6).